The following is an entry in ClinVar:

ClinVar aggregate classification (germline): Conflicting classifications of pathogenicity. Review status: criteria provided, conflicting classifications (1 of 4 stars). 3 submissions from 3 submitters: Uncertain significance (2); Likely benign (1). Last evaluated 2025-12-23.

Conditions:
Autosomal recessive early-onset Parkinson disease 6 (PARK6). Also called: PARKINSON DISEASE 6, EARLY-ONSET; PARKINSON DISEASE 6, MODIFIER OF; PINK1-Related Parkinson Disease; PINK1 Type of Young-Onset Parkinson Disease. Identifiers: Orphanet 2828, MedGen C1853833, MONDO:0011613, OMIM 605909.

Allele frequency attached by ClinVar (database versions not stated): ExAC 0.00029; 1000 Genomes Project 30x 0.00031; gnomAD 0.00066 and 0.00059; TOPMed 0.00074; gnomAD exomes 0.00007 and 0.00019; 1000 Genomes Project 0.00020; ESP Exome Variant Server 0.00054.
gnomAD v4.1: 202 of 1,614,024 alleles (0.013%); highest among the groups gnomAD compares: African/African-American, 0.22%; no homozygotes.

Submissions (3):

Labcorp Genetics (formerly Invitae), Labcorp
Classification: Likely benign for Autosomal recessive early-onset Parkinson disease 6. Last evaluated: 2025-12-23. Review status: criteria provided, single submitter. Criteria: Invitae Variant Classification Sherloc (09022015). Collection method: clinical testing. Allele origin: germline.

GeneDx
Classification: Uncertain significance. Last evaluated: 2024-10-30. Review status: criteria provided, single submitter. Criteria: GeneDx Variant Classification Process June 2021. Collection method: clinical testing. Allele origin: germline.
Comment: Reported in a patient with early-onset Alzheimer's disease; however, a second PINK1 variant was not identified and this patient also harbors a variant in the GRN gene (PMID: 31217084); In silico analysis supports that this missense variant has a deleterious effect on protein structure/function; This variant is associated with the following publications: (PMID: 31217084)

Illumina Laboratory Services, Illumina
Classification: Uncertain significance for Autosomal recessive early-onset Parkinson disease 6. Last evaluated: 2018-01-13. Review status: criteria provided, single submitter. Criteria: ICSL Variant Classification Criteria 13 December 2019. Collection method: clinical testing. Allele origin: germline.

NM_032409.3(PINK1):c.1075G>A (p.Ala359Thr)

Genes: PINK1 (PTEN induced kinase 1; plus strand), PINK1-AS (PINK1 antisense RNA; minus strand). Cytogenetic location: 1p36.12.
Variant type: single nucleotide variant.
Coding change: c.1075G>A on transcript NM_032409.3 (MANE Select); coding-DNA position 1075, G replaced by A.
Protein change: p.Ala359Thr; replaces alanine 359 with threonine.
Molecular consequence: missense variant. On other transcripts: non-coding transcript variant (1).
Genome position (GRCh38, 1-based): chr1:20,645,675, G>A. VCF-style: chr1-20645675-G-A. GRCh37 (hg19) VCF-style: chr1-20972168-G-A.
Other names: short protein forms A359T.
Identifiers: ClinVar variation 874927 (VCV000874927.13), dbSNP rs76753586, ClinGen allele CA660680.